The following is an entry in ClinVar:

ClinVar aggregate classification (germline): Uncertain significance (1 of 4 stars; one submission).

Conditions:
Hereditary cancer-predisposing syndrome. Also called: Tumor predisposition; Hereditary Cancer Syndrome; Hereditary neoplastic syndrome; Neoplastic Syndromes, Hereditary. Identifiers: Orphanet 140162, MedGen C0027672, MeSH D009386, MONDO:0015356.

Submission:

Ambry Genetics
Classification: Uncertain significance for Hereditary cancer-predisposing syndrome. Last evaluated: 2025-11-23. Review status: criteria provided, single submitter. Criteria: Ambry Variant Classification Scheme 2023. Collection method: clinical testing. Allele origin: germline.
Comment: The p.E253D variant (also known as c.759G>C), located in coding exon 7 of the SUFU gene, results from a G to C substitution at nucleotide position 759. The glutamic acid at codon 253 is replaced by aspartic acid, an amino acid with highly similar properties. This amino acid position is conserved. In addition, this alteration is predicted to be tolerated by in silico analysis. Based on the available evidence, the clinical significance of this variant remains unclear.

NM_016169.4(SUFU):c.759G>C (p.Glu253Asp)

Gene: SUFU (SUFU negative regulator of hedgehog signaling; plus strand). Cytogenetic location: 10q24.32.
Variant type: single nucleotide variant.
Coding change: c.759G>C on transcript NM_016169.4 (MANE Select); coding-DNA position 759, G replaced by C.
Protein change: p.Glu253Asp; replaces glutamic acid 253 with aspartic acid.
Molecular consequence: missense variant.
Genome position (GRCh38, 1-based): chr10:102,597,142, G>C. VCF-style: chr10-102597142-G-C. GRCh37 (hg19) VCF-style: chr10-104356899-G-C.
Other names: c.759G>C, p.Glu253Asp (NM_001178133.2); short protein forms E253D.
Identifiers: ClinVar variation 4551824 (VCV004551824.1).